The following is an entry in ClinVar:

ClinVar aggregate classification (germline): Conflicting classifications of pathogenicity. Review status: criteria provided, conflicting classifications (1 of 4 stars). 6 submissions from 6 submitters: Uncertain significance (3); Likely benign (3). Last evaluated 2026-01-14.

Conditions:
Cardiovascular phenotype. Identifiers: MedGen CN230736.
Hypoalphalipoproteinemia, primary, 1. Identifiers: Orphanet 425, MedGen C5231558, MONDO:0011393, OMIM 604091.

Allele frequency attached by ClinVar (database versions not stated): gnomAD 0.00014 and 0.00015; ExAC 0.00015; ESP Exome Variant Server 0.00015; TOPMed 0.00017; gnomAD exomes 0.00022; 1000 Genomes Project 0.00040; 1000 Genomes Project 30x 0.00062.
gnomAD v4.1: 361 of 1,614,094 alleles (0.022%); highest among the groups gnomAD compares: Middle Eastern, 0.23%; no homozygotes.

Submissions (6):

Labcorp Genetics (formerly Invitae), Labcorp
Classification: Likely benign. Last evaluated: 2026-01-14. Review status: criteria provided, single submitter. Criteria: Invitae Variant Classification Sherloc (09022015). Collection method: clinical testing. Allele origin: germline.

Ambry Genetics
Classification: Uncertain significance for Cardiovascular phenotype. Last evaluated: 2025-10-29. Review status: criteria provided, single submitter. Criteria: Ambry Variant Classification Scheme 2023. Collection method: clinical testing. Allele origin: germline.
Comment: The p.V2244I variant (also known as c.6730G>A), located in coding exon 49 of the ABCA1 gene, results from a G to A substitution at nucleotide position 6730. The valine at codon 2244 is replaced by isoleucine, an amino acid with highly similar properties. This variant was reported as heterozygous in individual(s) in extreme HDL-C level cohorts (Probst MC et al. Atherosclerosis, 2004 Aug;175:269-79; Sadananda SN et al. J Lipid Res, 2015 Oct;56:1993-2001; Peloso GM et al. Eur J Hum Genet, 2016 Jun;24:924-30). This amino acid position is not well conserved in available vertebrate species. In addition, this alteration is predicted to be tolerated by in silico analysis. Based on the available evidence, the clinical significance of this variant remains unclear.

CeGaT Center for Human Genetics Tuebingen
Classification: Likely benign. Last evaluated: 2024-08-01. Review status: criteria provided, single submitter. Criteria: CeGaT Center For Human Genetics Tuebingen Variant Classification Criteria Version 2. Collection method: clinical testing. Allele origin: germline. Affected: yes. Observed: 1 variant allele.
Comment: ABCA1: BP4

GeneDx
Classification: Uncertain significance. Last evaluated: 2023-11-22. Review status: criteria provided, single submitter. Criteria: GeneDx Variant Classification Process June 2021. Collection method: clinical testing. Allele origin: germline. Affected: yes.
Comment: Identified in one individual with extreme altered HDL-C level; although detailed clinical information is not provided (PMID: 26350511); Identified in individuals with low HDL-C level; however, these individuals have other genetic disorders and harbor additional variants (PMID: 26255038, 15262183); In silico analysis supports that this missense variant does not alter protein structure/function; This variant is associated with the following publications: (PMID: 12054535, 25215231, 15262183, 26255038, 26350511)

Women's Health and Genetics/Laboratory Corporation of America, LabCorp
Classification: Likely benign. Last evaluated: 2019-11-04. Review status: criteria provided, single submitter. Criteria: LabCorp Variant Classification Summary - May 2015. Collection method: clinical testing. Allele origin: germline.
Comment: Variant summary: ABCA1 c.6730G>A (p.Val2244Ile) results in a conservative amino acid change in the encoded protein sequence. Five of five in-silico tools predict a benign effect of the variant on protein function. The variant allele was found at a frequency of 0.00022 in 251274 control chromosomes, predominantly at a frequency of 0.00034 within the Non-Finnish European subpopulation in the gnomAD database. The observed variant frequency within Non-Finnish European control individuals in the gnomAD database is approximately 27 fold of the estimated maximal expected allele frequency for a pathogenic variant in ABCA1 causing Early Onset Coronary Artery Disease phenotype (1.3e-05), strongly suggesting that the variant is a benign polymorphism found primarily in populations of Non-Finnish European origin. c.6730G>A has been reported in the literature in individuals affected with extreme HDL levels (Sadananda_2015, Peloso_2016). In addition, one study showed that this variant did not co-segregate with low HDL levels in a small family (Probst_2004), which is consistent with the benign nature of this variant. To our knowledge, no experimental evidence demonstrating an impact on protein function has been reported. No clinical diagnostic laboratories have submitted clinical-significance assessments for this variant to ClinVar after 2014. Based on the evidence outlined above, the variant was classified as likely benign.

Baylor Genetics
Classification: Uncertain significance for Hypoalphalipoproteinemia, primary, 1. Last evaluated: 2018-04-13. Review status: criteria provided, single submitter. Criteria: ACMG Guidelines, 2015. Collection method: clinical testing. Allele origin: paternal. Affected: yes.
Comment: This variant was determined to be of uncertain significance according to ACMG Guidelines, 2015 [PMID:25741868].

Literature cited by the submitters: PubMed 15262183 (cited by Ambry Genetics and Women's Health and Genetics/Laboratory Corporation of America, LabCorp); PubMed 26255038 (cited by Ambry Genetics and Women's Health and Genetics/Laboratory Corporation of America, LabCorp); PubMed 26350511 (cited by Ambry Genetics and Women's Health and Genetics/Laboratory Corporation of America, LabCorp); PubMed 25215231 (cited by Women's Health and Genetics/Laboratory Corporation of America, LabCorp); PubMed 29535370 (cited by Women's Health and Genetics/Laboratory Corporation of America, LabCorp); PubMed 12054535 (cited by Women's Health and Genetics/Laboratory Corporation of America, LabCorp).

NM_005502.4(ABCA1):c.6730G>A (p.Val2244Ile)

Genes: ABCA1 (ATP binding cassette subfamily A member 1; minus strand), NIPSNAP3B (nipsnap homolog 3B; plus strand). Cytogenetic location: 9q31.1.
Variant type: single nucleotide variant.
Coding change: c.6730G>A on transcript NM_005502.4 (MANE Select); coding-DNA position 6730, G replaced by A.
Protein change: p.Val2244Ile; replaces valine 2244 with isoleucine.
Molecular consequence: missense variant.
Genome position (GRCh38, 1-based): chr9:104,784,371, C>T on the plus strand (G>A on the coding strand, the complement: ABCA1 is on the minus strand). VCF-style: chr9-104784371-C-T. GRCh37 (hg19) VCF-style: chr9-107546652-C-T.
Other names: short protein forms V2244I.
Identifiers: ClinVar variation 928660 (VCV000928660.29), dbSNP rs144588452, ClinGen allele CA5167474.